The following is an entry in ClinVar:

ClinVar aggregate classification (germline): Likely benign. Review status: criteria provided, multiple submitters, no conflicts (2 of 4 stars). 2 submissions from 2 submitters: Likely benign (2). Last evaluated 2025-04-09.

Conditions:
MTOR-related disorder. Also called: MTOR-related condition.

Allele frequency attached by ClinVar (database versions not stated): TOPMed 0.00001.
gnomAD v4.1: 9 of 1,614,154 alleles (0.00056%); highest among the groups gnomAD compares: Non-Finnish European, 0.00076%; no homozygotes.

Submissions (2):

Labcorp Genetics (formerly Invitae), Labcorp
Classification: Likely benign. Last evaluated: 2025-04-09. Review status: criteria provided, single submitter. Criteria: Invitae Variant Classification Sherloc (09022015). Collection method: clinical testing. Allele origin: germline.

PreventionGenetics, part of Exact Sciences
Classification: Likely benign for MTOR-related condition. Last evaluated: 2024-12-19. Review status: criteria provided, single submitter. Criteria: ACMG Guidelines, 2015. Collection method: clinical testing. Allele origin: germline.
Comment: This variant is classified as likely benign based on ACMG/AMP sequence variant interpretation guidelines (Richards et al. 2015 PMID: 25741868, with internal and published modifications).

NM_004958.4(MTOR):c.3327C>T (p.Asp1109=)

Gene: MTOR (mechanistic target of rapamycin kinase; minus strand). Cytogenetic location: 1p36.22.
Variant type: single nucleotide variant.
Coding change: c.3327C>T on transcript NM_004958.4 (MANE Select); coding-DNA position 3327, C replaced by T.
Protein change: p.Asp1109=; no amino-acid change (aspartic acid 1109 retained).
Molecular consequence: synonymous variant.
Genome position (GRCh38, 1-based): chr1:11,212,867, G>A on the plus strand (C>T on the coding strand, the complement: MTOR is on the minus strand). VCF-style: chr1-11212867-G-A. GRCh37 (hg19) VCF-style: chr1-11272924-G-A.
Other names: c.3327C>T, p.Asp1109= (NM_001386500.1); c.2079C>T, p.Asp693= (NM_001386501.1).
Identifiers: ClinVar variation 2908138 (VCV002908138.4), dbSNP rs950136394, ClinGen allele CA17918909.
Genomic context (GRCh38, chr1:11,212,867, plus strand): 5'-CAGTGGAGCTTCAGGGGCATCAAACAACTTAACAATAGGAGGCAGCAGTAAATGCAGGTA[G>A]TCATCCAGGTTGGCGCCAAACAGCTGGATTGCAGCCAGTAACTGCAAAAGGGAGCAAAAG-3'
Protein context (NP_004949.1, residues 1099-1119): AIQLFGANLD[Asp1109=]YLHLLLPPIV